The following is an entry in ClinVar:

ClinVar aggregate classification (germline): Benign. Review status: criteria provided, single submitter (1 of 4 stars). 3 submissions from 3 submitters: Benign (1). 2 of the submissions do not count toward it. Last evaluated 2025-03-09.

Conditions:
ANO3-related disorder. Also called: ANO3-related condition.
Dystonic disorder. Also called: Dystonia. Identifiers: MedGen C0013421, MONDO:0003441, HP:0001332.
Dystonia 24 (DYT24). Also called: DYT-ANO3. Identifiers: Orphanet 420485, MedGen C3554374, MONDO:0014019, OMIM 615034.

Allele frequency attached by ClinVar (database versions not stated): ExAC 0.00003; gnomAD exomes 0.00005 and 0.00019; gnomAD 0.00029 and 0.00030; TOPMed 0.00029.
gnomAD v4.1: 108 of 1,611,950 alleles (0.0067%); highest among the groups gnomAD compares: Admixed American, 0.17%; no homozygotes.

Submissions (3):

Labcorp Genetics (formerly Invitae), Labcorp
Classification: Benign for Dystonic disorder. Last evaluated: 2025-03-09. Review status: criteria provided, single submitter. Criteria: Invitae Variant Classification Sherloc (09022015). Collection method: clinical testing. Allele origin: germline.

PreventionGenetics, part of Exact Sciences
Classification: Likely benign for ANO3-related condition. Last evaluated: 2022-04-01. Review status: no assertion criteria provided. Collection method: clinical testing. Allele origin: germline. Not counted in ClinVar's aggregate classification.
Comment: This variant is classified as likely benign based on ACMG/AMP sequence variant interpretation guidelines (Richards et al. 2015 PMID: 25741868, with internal and published modifications).

Department of Pathology and Laboratory Medicine, Sinai Health System
Classification: Uncertain significance for Dystonia 24. Review status: no assertion criteria provided. Collection method: clinical testing. Allele origin: unknown. Affected: yes. Study: The Canadian Open Genetics Repository (COGR). Not counted in ClinVar's aggregate classification.
Comment: The ANO3 p.I411V variant was not identified in the literature nor was it identified in ClinVar. The variant was identified in dbSNP (ID: rs767864233) and in control databases in 47 of 250996 chromosomes at a frequency of 0.0001873, and was observed at the highest frequency in the Latino population in 46 of 34520 chromosomes (freq: 0.001333) (Genome Aggregation Database March 6, 2019, v2.1.1). The p.I411 residue is not conserved in mammals and computational analyses (MUT Assesor, PolyPhen-2, SIFT, MutationTaster, Revel, FATHMM, MetaLR, DANN) do not suggest a high likelihood of impact to the protein; however this information is not predictive enough to rule out pathogenicity. The variant occurs outside of the splicing consensus sequence and in silico or computational prediction software programs (Splice AI exome) do not predict a difference in splicing. In summary, based on the above information the clinical significance of this variant cannot be determined with certainty at this time. This variant is classified as a variant of uncertain significance.

NM_031418.4(ANO3):c.1231A>G (p.Ile411Val)

Gene: ANO3 (anoctamin 3; plus strand). Cytogenetic location: 11p14.2.
Variant type: single nucleotide variant.
Coding change: c.1231A>G on transcript NM_031418.4 (MANE Select); coding-DNA position 1231, A replaced by G.
Protein change: p.Ile411Val; replaces isoleucine 411 with valine.
Molecular consequence: missense variant.
Genome position (GRCh38, 1-based): chr11:26,547,492, A>G. VCF-style: chr11-26547492-A-G. GRCh37 (hg19) VCF-style: chr11-26569039-A-G.
Other names: c.1414A>G, p.Ile472Val (NM_001313726.2); c.793A>G, p.Ile265Val (NM_001313727.2); c.1231A>G (NM_031418.3); short protein forms I265V, I411V, I472V.
Identifiers: ClinVar variation 1049759 (VCV001049759.11), dbSNP rs767864233, ClinGen allele CA5925819.